The following is an entry in ClinVar:

ClinVar aggregate classification (germline): Uncertain significance. Review status: criteria provided, multiple submitters, no conflicts (2 of 4 stars). 3 submissions from 3 submitters: Uncertain significance (3). Last evaluated 2024-05-06.

Conditions:
Familial hemophagocytic lymphohistiocytosis 3 (FHL3). Also called: UNC13D-Related Familial Hemophagocytic Lymphohistiocytosis (UNC13D-fHLH). Identifiers: Orphanet 540, MedGen C1837174, MONDO:0012146, OMIM 608898.

Allele frequency attached by ClinVar (database versions not stated): ExAC below 0.00001; gnomAD exomes 0.00002 and 0.00003; gnomAD 0.00016 and 0.00019; TOPMed 0.00022.
gnomAD v4.1: 54 of 1,543,832 alleles (0.0035%); highest among the groups gnomAD compares: African/African-American, 0.063%; no homozygotes.

Submissions (3):

GeneDx
Classification: Uncertain significance. Last evaluated: 2024-05-06. Review status: criteria provided, single submitter. Criteria: GeneDx Variant Classification Process June 2021. Collection method: clinical testing. Allele origin: germline. Affected: yes.
Comment: In silico analysis indicates that this missense variant does not alter protein structure/function; Reported in an individual with juvenile idiopathic arthritis (PMID: 18759271); This variant is associated with the following publications: (PMID: 18759271)

Labcorp Genetics (formerly Invitae), Labcorp
Classification: Uncertain significance for Familial hemophagocytic lymphohistiocytosis 3. Last evaluated: 2024-01-29. Review status: criteria provided, single submitter. Criteria: Invitae Variant Classification Sherloc (09022015). Collection method: clinical testing. Allele origin: germline.
Comment: This sequence change replaces proline, which is neutral and non-polar, with alanine, which is neutral and non-polar, at codon 1049 of the UNC13D protein (p.Pro1049Ala). This variant is present in population databases (rs750743318, gnomAD 0.07%). This missense change has been observed in individual(s) with macrophage activationsyndrome (PMID: 18759271). ClinVar contains an entry for this variant (Variation ID: 640068). Advanced modeling of protein sequence and biophysical properties (such as structural, functional, and spatial information, amino acid conservation, physicochemical variation, residue mobility, and thermodynamic stability) performed at Invitae indicates that this missense variant is not expected to disrupt UNC13D protein function with a negative predictive value of 80%. In summary, the available evidence is currently insufficient to determine the role of this variant in disease. Therefore, it has been classified as a Variant of Uncertain Significance.

Women's Health and Genetics/Laboratory Corporation of America, LabCorp
Classification: Uncertain significance. Last evaluated: 2022-01-03. Review status: criteria provided, single submitter. Criteria: LabCorp Variant Classification Summary - May 2015. Collection method: clinical testing. Allele origin: germline.
Comment: Variant summary: UNC13D c.3145C>G (p.Pro1049Ala) results in a non-conservative amino acid change in the encoded protein sequence. Four of five in-silico tools predict a benign effect of the variant on protein function. The variant allele was found at a frequency of 7.9e-05 in 176316 control chromosomes (gnomAD and publication data). This frequency is not significantly higher than expected for a pathogenic variant in UNC13D causing Familial Hemophagocytic Lymphohistiocytosis (7.9e-05 vs 0.0027), allowing no conclusion about variant significance. c.3145C>G has been reported in the literature in individuals affected with macrophage activation syndrome (Zhang_2008). The report does not provide unequivocal conclusions about association of the variant with Familial Hemophagocytic Lymphohistiocytosis. To our knowledge, no experimental evidence demonstrating an impact on protein function has been reported. One ClinVar submitter (evaluation after 2014) cites the variant as uncertain significance. Based on the evidence outlined above, the variant was classified as uncertain significance.

Literature cited by the submitters: PubMed 18759271 (cited by Labcorp Genetics (formerly Invitae), Labcorp and Women's Health and Genetics/Laboratory Corporation of America, LabCorp).

NM_199242.3(UNC13D):c.3145C>G (p.Pro1049Ala)

Gene: UNC13D (unc-13 homolog D; minus strand). Cytogenetic location: 17q25.1.
Variant type: single nucleotide variant.
Coding change: c.3145C>G on transcript NM_199242.3 (MANE Select); coding-DNA position 3145, C replaced by G.
Protein change: p.Pro1049Ala; replaces proline 1049 with alanine.
Molecular consequence: missense variant.
Genome position (GRCh38, 1-based): chr17:75,828,793, G>C on the plus strand (C>G on the coding strand, the complement: UNC13D is on the minus strand). VCF-style: chr17-75828793-G-C. GRCh37 (hg19) VCF-style: chr17-73824874-G-C.
Other names: short protein forms P1049A.
Identifiers: ClinVar variation 640068 (VCV000640068.6), dbSNP rs750743318, ClinGen allele CA8772263.